The following is an entry in ClinVar:

NM_001378454.1(ALMS1):c.1645G>T (p.Glu549Ter)

Gene: ALMS1 (ALMS1 centrosome and basal body associated protein; plus strand). Cytogenetic location: 2p13.1.
Variant type: single nucleotide variant.
Coding change: c.1645G>T on transcript NM_001378454.1 (MANE Select); coding-DNA position 1645, G replaced by T.
Protein change: p.Glu549Ter; replaces glutamic acid 549 with a stop codon.
Molecular consequence: nonsense.
Genome position (GRCh38, 1-based): chr2:73,448,172, G>T. VCF-style: chr2-73448172-G-T. GRCh37 (hg19) VCF-style: chr2-73675299-G-T.
Other names: c.1648G>T, p.Glu550Ter (NM_015120.4); short protein forms E549*, E550*.
Identifiers: ClinVar variation 1725339 (VCV001725339.2), dbSNP rs1203221115, ClinGen allele CA347265000.
Genomic context (GRCh38, chr2:73,448,172, plus strand): 5'-ACTACTGGTCAACACACTGATACTCTCAACCAAAAGACATTAGCAGATACTCATCTAACT[G>T]AAGAGACTCTGAAAGTCACAGCTATTCCTGAACCAGCTGACCAGAAGACTGCAACACCAA-3'

ClinVar aggregate classification (germline): Likely pathogenic (1 of 4 stars; one submission).

Conditions:
Alstrom syndrome (ALMS). Identifiers: Orphanet 64, MedGen C0268425, MONDO:0008763, OMIM 203800.

Submission:

Myriad Genetics, Inc.
Classification: Likely pathogenic for Alstrom syndrome. Last evaluated: 2022-03-17. Review status: criteria provided, single submitter. Criteria: Myriad Women's Health Autosomal Recessive and X-Linked Classification Criteria (2021). Collection method: clinical testing. Allele origin: unknown.
Comment: NM_015120.4(ALMS1):c.1648G>T(E550*) is expected to be pathogenic in the context of Alstrom syndrome. This variant is predicted to lead to an abnormal or absent protein product due to the creation of a premature termination codon in ALMS1, a gene where loss-of-function variants are known to be pathogenic. Please note: this variant was assessed in the context of healthy population screening.